The following is an entry in ClinVar:

NM_001004356.3(FGFRL1):c.505C>T (p.Arg169Trp)

Gene: FGFRL1 (fibroblast growth factor receptor like 1; plus strand). Cytogenetic location: 4p16.3.
Variant type: single nucleotide variant.
Coding change: c.505C>T on transcript NM_001004356.3 (MANE Select); coding-DNA position 505, C replaced by T.
Protein change: p.Arg169Trp; replaces arginine 169 with tryptophan.
Molecular consequence: missense variant.
Genome position (GRCh38, 1-based): chr4:1,023,888, C>T. VCF-style: chr4-1023888-C-T. GRCh37 (hg19) VCF-style: chr4-1017676-C-T.
Other names: c.505C>T, p.Arg169Trp (NM_001004358.1, NM_001370296.1, NM_021923.3); short protein forms R169W.
Identifiers: ClinVar variation 2054502 (VCV002054502.4), dbSNP rs749760188, ClinGen allele CA2802751.

ClinVar aggregate classification (germline): Uncertain significance (1 of 4 stars; one submission).

Allele frequency attached by ClinVar (database versions not stated): gnomAD 0.00001; gnomAD exomes 0.00001; TOPMed 0.00001; ExAC 0.00002.
gnomAD v4.1: 18 of 1,581,102 alleles (0.0011%); highest among the groups gnomAD compares: South Asian, 0.0023%; no homozygotes.

Submission:

Labcorp Genetics (formerly Invitae), Labcorp
Classification: Uncertain significance. Last evaluated: 2022-07-03. Review status: criteria provided, single submitter. Criteria: Invitae Variant Classification Sherloc (09022015). Collection method: clinical testing. Allele origin: germline.
Comment: Algorithms developed to predict the effect of missense changes on protein structure and function (SIFT, PolyPhen-2, Align-GVGD) all suggest that this variant is likely to be disruptive. This sequence change replaces arginine, which is basic and polar, with tryptophan, which is neutral and slightly polar, at codon 169 of the FGFRL1 protein (p.Arg169Trp). The frequency data for this variant in the population databases is considered unreliable, as metrics indicate poor data quality at this position in the gnomAD database. This variant has not been reported in the literature in individuals affected with FGFRL1-related conditions. In summary, the available evidence is currently insufficient to determine the role of this variant in disease. Therefore, it has been classified as a Variant of Uncertain Significance.